The following is an entry in ClinVar:

ClinVar aggregate classification (germline): Uncertain significance (1 of 4 stars; one submission).

gnomAD v4.1: 1 of 1,612,572 alleles (0.000062%); no homozygotes.

Submission:

Dasa
Classification: Uncertain significance. Last evaluated: 2025-12-02. Review status: criteria provided, single submitter. Criteria: DASA Assertion Criteria. Collection method: clinical testing. Allele origin: germline.
Comment: NM_004172.5(SLC1A3):c.525-10T>C is a splice-region variant. This variant is rare in population databases. The currently available literature and clinical evidence are not sufficient to establish a definitive association between this variant and the reported condition. Therefore, this variant is classified as a variant of uncertain significance.

NM_004172.5(SLC1A3):c.525-10T>C

Genes: SLC1A3 (solute carrier family 1 member 3; plus strand), SLC1A3-AS1 (SLC1A3 antisense RNA 1; minus strand). Cytogenetic location: 5p13.2.
Variant type: single nucleotide variant.
Coding change: c.525-10T>C on transcript NM_004172.5 (MANE Select); 10 bases into the intron before coding-DNA position 525, T replaced by C.
Molecular consequence: intron variant.
Genome position (GRCh38, 1-based): chr5:36,674,039, T>C. VCF-style: chr5-36674039-T-C. GRCh37 (hg19) VCF-style: chr5-36674141-T-C.
Other names: c.525-10T>C (NM_001438455.1, NM_001438456.1, NM_001438454.1 and 4 more transcripts); c.243-10T>C (NM_001438460.1); c.225-10T>C (NM_001438461.1); c.204-10T>C (NM_001438462.1); c.524+2806T>C (NM_001289940.2); c.387-10T>C (NM_001289939.2).
Identifiers: ClinVar variation 4884923 (VCV004884923.2).